The following is an entry in ClinVar:

ClinVar aggregate classification (germline): Benign (1 of 4 stars; one submission).

Conditions:
Familial hemophagocytic lymphohistiocytosis 4 (FHL4). Also called: STX11-Related Familial Hemophagocytic Lymphohistiocytosis (STX11-fHLH). Identifiers: Orphanet 540, MedGen C1863728, MONDO:0011336, OMIM 603552.

Allele frequency attached by ClinVar (database versions not stated): gnomAD exomes 0.00063; gnomAD 0.00984 and 0.01046; 1000 Genomes Project 0.01078; TOPMed 0.01111; 1000 Genomes Project 30x 0.01327.
gnomAD v4.1: 2,021 of 985,456 alleles (0.21%); highest among the groups gnomAD compares: African/African-American, 3.3%; 30 homozygotes.

Submission:

Illumina Laboratory Services, Illumina
Classification: Benign for Familial hemophagocytic lymphohistiocytosis 4. Last evaluated: 2017-04-27. Review status: criteria provided, single submitter. Criteria: ICSL Variant Classification Criteria 13 December 2019. Collection method: clinical testing. Allele origin: germline.
Comment: This variant was observed as part of a predisposition screen in an ostensibly healthy population. A literature search was performed for the gene, cDNA change, and amino acid change (where applicable). No publications were found based on this search. Allele frequency data from public databases was too high to be consistent with this variant causing disease. Therefore, this variant is classified as benign.

NM_003764.4(STX11):c.-87C>T

Genes: STX11 (syntaxin 11; plus strand), LOC129997366 (ATAC-STARR-seq lymphoblastoid silent region 17638; plus strand). Cytogenetic location: 6q24.2.
Variant type: single nucleotide variant.
Coding change: c.-87C>T on transcript NM_003764.4 (MANE Select); 87 bases upstream of the start codon, C replaced by T.
Molecular consequence: 5 prime UTR variant.
Genome position (GRCh38, 1-based): chr6:144,150,622, C>T. VCF-style: chr6-144150622-C-T. GRCh37 (hg19) VCF-style: chr6-144471759-C-T.
Identifiers: ClinVar variation 907822 (VCV000907822.4), dbSNP rs146840517, ClinGen allele CA149820101.